The following is an entry in ClinVar:

NM_000321.3(RB1):c.1961T>G (p.Val654Gly)

Gene: RB1 (RB transcriptional corepressor 1; plus strand). Cytogenetic location: 13q14.2.
Variant type: single nucleotide variant.
Coding change: c.1961T>G on transcript NM_000321.3 (MANE Select); coding-DNA position 1961, T replaced by G.
Protein change: p.Val654Gly; replaces valine 654 with glycine.
Molecular consequence: missense variant.
Genome position (GRCh38, 1-based): chr13:48,459,688, T>G. VCF-style: chr13-48459688-T-G. GRCh37 (hg19) VCF-style: chr13-49033824-T-G.
Other names: c.1961T>G, p.Val654Gly (NM_001407165.1); short protein forms V654G.
Identifiers: ClinVar variation 1783452 (VCV001783452.7), dbSNP rs769113950, ClinGen allele CA388166673.
Genomic context (GRCh38, chr13:48,459,688, plus strand): 5'-AAAATCTACTTGTAATTCAAAATGAACAGTAAAAATGACTAATTTTTCTTATTCCCACAG[T>G]GTATCGGCTAGCCTATCTCCGGCTAAATACACTTTGTGAACGCCTTCTGTCTGAGCACCC-3'
Protein context (NP_000312.2, residues 644-664): STSLSLFYKK[Val654Gly]YRLAYLRLNT

ClinVar aggregate classification (germline): Uncertain significance. Review status: criteria provided, multiple submitters, no conflicts (2 of 4 stars). 3 submissions from 3 submitters: Uncertain significance (3). Last evaluated 2025-11-02.

Conditions:
Hereditary cancer-predisposing syndrome. Also called: Neoplastic Syndromes, Hereditary; Tumor predisposition; Hereditary Cancer Syndrome; Hereditary neoplastic syndrome. Identifiers: Orphanet 140162, MedGen C0027672, MeSH D009386, MONDO:0015356.
Retinoblastoma (RB1). Also called: RETINOBLASTOMA, SOMATIC. Identifiers: Orphanet 790, MedGen C0035335, MeSH D012175, MONDO:0008380, OMIM 180200, HP:0009919. Disease mechanism: loss of function. Inheritance: Both sporadic and heritable forms are tested..

Allele frequency attached by ClinVar (database versions not stated): TOPMed below 0.00001.

Submissions (3):

Labcorp Genetics (formerly Invitae), Labcorp
Classification: Uncertain significance for Retinoblastoma. Last evaluated: 2025-11-02. Review status: criteria provided, single submitter. Criteria: Invitae Variant Classification Sherloc (09022015). Collection method: clinical testing. Allele origin: germline.
Comment: This sequence change replaces valine, which is neutral and non-polar, with glycine, which is neutral and non-polar, at codon 654 of the RB1 protein (p.Val654Gly). This variant is present in population databases (no rsID available, gnomAD 0.007%). This variant has not been reported in the literature in individuals affected with RB1-related conditions. ClinVar contains an entry for this variant (Variation ID: 1783452). An algorithm developed to predict the effect of missense changes on protein structure and function (PolyPhen-2) suggests that this variant is likely to be disruptive. In summary, the available evidence is currently insufficient to determine the role of this variant in disease. Therefore, it has been classified as a Variant of Uncertain Significance.

Ambry Genetics
Classification: Uncertain significance for Hereditary cancer-predisposing syndrome. Last evaluated: 2024-03-19. Review status: criteria provided, single submitter. Criteria: Ambry Variant Classification Scheme 2023. Collection method: clinical testing. Allele origin: germline.
Comment: The p.V654G variant (also known as c.1961T>G) is located in coding exon 20 of the RB1 gene, results from a T to G substitution at nucleotide position 1961. This variant impacts the first base pair of coding exon 20. The valine at codon 654 is replaced by glycine, an amino acid with dissimilar properties. This amino acid position is well conserved in available vertebrate species. In addition, this alteration is predicted to be deleterious by in silico analysis. Since supporting evidence is limited at this time, the clinical significance of this alteration remains unclear.

All of Us Research Program, National Institutes of Health
Classification: Uncertain significance for Retinoblastoma. Last evaluated: 2023-06-26. Review status: criteria provided, single submitter. Criteria: ACMG Guidelines, 2015. Collection method: clinical testing. Allele origin: germline. Inheritance: Autosomal dominant inheritance. Observed: 1 variant allele, 1 heterozygote.
Comment: This missense variant replaces valine with glycine at codon 654 of the RB1 protein. Computational prediction suggests that this variant may have deleterious impact on protein structure and function (internally defined REVEL score threshold >= 0.7, PMID: 27666373). To our knowledge, functional studies have not been reported for this variant. This variant has not been reported in individuals affected with RB1-related disorders in the literature. This variant has been identified in 1/251468 chromosomes in the general population by the Genome Aggregation Database (gnomAD). The available evidence is insufficient to determine the role of this variant in disease conclusively. Therefore, this variant is classified as a Variant of Uncertain Significance.

This study involves interpretation of variants in research participants for the purpose of population health screening. Participant phenotype was not available at the time of variant classification. Additional details can be found in publication PMID: 35346344, PMCID: PMC8962531